The following is an entry in ClinVar:

ClinVar aggregate classification (germline): Uncertain significance. Review status: criteria provided, multiple submitters, no conflicts (2 of 4 stars). 3 submissions from 3 submitters: Uncertain significance (3). Last evaluated 2025-04-18.

Conditions:
Hereditary cancer-predisposing syndrome. Also called: Hereditary Cancer Syndrome; Neoplastic Syndromes, Hereditary; Tumor predisposition; Hereditary neoplastic syndrome. Identifiers: Orphanet 140162, MedGen C0027672, MeSH D009386, MONDO:0015356.
Microcephaly, normal intelligence and immunodeficiency (NBS). Also called: BERLIN BREAKAGE SYNDROME; Ataxia telangiectasia variant V1; IMMUNODEFICIENCY, MICROCEPHALY, AND CHROMOSOMAL INSTABILITY; SEEMANOVA SYNDROME II; Nijmegen breakage syndrome; Microcephaly with normal intelligence immunodeficiency and lymphoreticular malignancies. Identifiers: Orphanet 647, MedGen C0398791, MONDO:0009623, OMIM 251260.

Submissions (3):

Ambry Genetics
Classification: Uncertain significance for Hereditary cancer-predisposing syndrome. Last evaluated: 2025-04-18. Review status: criteria provided, single submitter. Criteria: Ambry Variant Classification Scheme 2023. Collection method: clinical testing. Allele origin: germline.
Comment: The p.L574V variant (also known as c.1720T>G), located in coding exon 11 of the NBN gene, results from a T to G substitution at nucleotide position 1720. The leucine at codon 574 is replaced by valine, an amino acid with highly similar properties. This amino acid position is well conserved in available vertebrate species. In addition, this alteration is predicted to be tolerated by in silico analysis. Since supporting evidence is limited at this time, the clinical significance of this alteration remains unclear.

Labcorp Genetics (formerly Invitae), Labcorp
Classification: Uncertain significance for Microcephaly, normal intelligence and immunodeficiency. Last evaluated: 2024-04-22. Review status: criteria provided, single submitter. Criteria: Invitae Variant Classification Sherloc (09022015). Collection method: clinical testing. Allele origin: germline.
Comment: This sequence change replaces leucine, which is neutral and non-polar, with valine, which is neutral and non-polar, at codon 574 of the NBN protein (p.Leu574Val). This variant is not present in population databases (gnomAD no frequency). This variant has not been reported in the literature in individuals affected with NBN-related conditions. ClinVar contains an entry for this variant (Variation ID: 230687). An algorithm developed to predict the effect of missense changes on protein structure and function (PolyPhen-2) suggests that this variant is likely to be tolerated. In summary, the available evidence is currently insufficient to determine the role of this variant in disease. Therefore, it has been classified as a Variant of Uncertain Significance.

Genome-Nilou Lab
Classification: Uncertain significance for Microcephaly, normal intelligence and immunodeficiency. Last evaluated: 2021-11-07. Review status: criteria provided, single submitter. Criteria: ACMG Guidelines, 2015. Collection method: clinical testing. Allele origin: germline. Affected: no.

NM_002485.5(NBN):c.1720T>G (p.Leu574Val)

Gene: NBN (nibrin; minus strand). Cytogenetic location: 8q21.3.
Variant type: single nucleotide variant.
Coding change: c.1720T>G on transcript NM_002485.5 (MANE Select); coding-DNA position 1720, T replaced by G.
Protein change: p.Leu574Val; replaces leucine 574 with valine.
Molecular consequence: missense variant.
Genome position (GRCh38, 1-based): chr8:89,953,369, A>C on the plus strand (T>G on the coding strand, the complement: NBN is on the minus strand). VCF-style: chr8-89953369-A-C. GRCh37 (hg19) VCF-style: chr8-90965597-A-C.
Other names: c.1474T>G, p.Leu492Val (NM_001024688.3); short protein forms L574V, L492V.
Identifiers: ClinVar variation 230687 (VCV000230687.16), dbSNP rs142334798, ClinGen allele CA10578754.